The following is an entry in ClinVar:

NM_012210.4(TRIM32):c.1855C>T (p.Pro619Ser)

Genes: ASTN2 (astrotactin 2; minus strand), TRIM32 (tripartite motif containing 32; plus strand). Cytogenetic location: 9q33.1.
Variant type: single nucleotide variant.
Coding change: c.1855C>T on transcript NM_012210.4 (MANE Select); coding-DNA position 1855, C replaced by T.
Protein change: p.Pro619Ser; replaces proline 619 with serine.
Molecular consequence: missense variant. On other transcripts: intron variant (3).
Genome position (GRCh38, 1-based): chr9:116,699,597, C>T. VCF-style: chr9-116699597-C-T. GRCh37 (hg19) VCF-style: chr9-119461876-C-T.
Other names: c.1855C>T, p.Pro619Ser (NM_001099679.2, NM_001379048.1, NM_001379049.1 and 1 more transcripts); c.2653+26174G>A (NM_014010.5); c.2794+26174G>A (NM_001365069.1); c.2806+26174G>A (NM_001365068.1); short protein forms P619S.
Identifiers: ClinVar variation 940503 (VCV000940503.6), dbSNP rs368240408, ClinGen allele CA198771516.
Genomic context (GRCh38, chr9:116,699,597, plus strand): 5'-ATTCTCCATTTTCCTAAGGGTGGGGGCTATAGTGTCCTTATTCGAGAGGGACTTACCTGT[C>T]CGGTGGGCATAGCCCTAACTCCTAAGGGGCAGCTGCTGGTCTTGGACTGTTGGGATCATT-3'
Protein context (NP_036342.2, residues 609-629): SVLIREGLTC[Pro619Ser]VGIALTPKGQ

ClinVar aggregate classification (germline): Uncertain significance. Review status: criteria provided, multiple submitters, no conflicts (2 of 4 stars). 2 submissions from 2 submitters: Uncertain significance (2). Last evaluated 2022-07-19.

Conditions:
Bardet-Biedl syndrome (BBS). Identifiers: Orphanet 110, MedGen C0752166, MONDO:0015229.

Allele frequency attached by ClinVar (database versions not stated): ESP Exome Variant Server 0.00008; gnomAD 0.00001; TOPMed 0.00001.
gnomAD v4.1: 4 of 1,614,056 alleles (0.00025%); highest among the groups gnomAD compares: Non-Finnish European, 0.00034%; no homozygotes.

Submissions (2):

Labcorp Genetics (formerly Invitae), Labcorp
Classification: Uncertain significance for Bardet-Biedl syndrome. Last evaluated: 2022-07-19. Review status: criteria provided, single submitter. Criteria: Invitae Variant Classification Sherloc (09022015). Collection method: clinical testing. Allele origin: germline.
Comment: This sequence change replaces proline, which is neutral and non-polar, with serine, which is neutral and polar, at codon 619 of the TRIM32 protein (p.Pro619Ser). This variant is not present in population databases (gnomAD no frequency). This variant has not been reported in the literature in individuals affected with TRIM32-related conditions. ClinVar contains an entry for this variant (Variation ID: 940503). Algorithms developed to predict the effect of missense changes on protein structure and function (SIFT, PolyPhen-2, Align-GVGD) all suggest that this variant is likely to be disruptive. In summary, the available evidence is currently insufficient to determine the role of this variant in disease. Therefore, it has been classified as a Variant of Uncertain Significance.

Revvity Omics, Revvity
Classification: Uncertain significance. Last evaluated: 2021-04-13. Review status: criteria provided, single submitter. Criteria: ACMG Guidelines, 2015. Collection method: clinical testing. Allele origin: germline.